The following is an entry in ClinVar:

ClinVar aggregate classification (germline): Uncertain significance (1 of 4 stars; one submission).

Submission:

Labcorp Genetics (formerly Invitae), Labcorp
Classification: Uncertain significance. Last evaluated: 2023-10-20. Review status: criteria provided, single submitter. Criteria: Invitae Variant Classification Sherloc (09022015). Collection method: clinical testing. Allele origin: germline.
Comment: This sequence change replaces glutamine, which is neutral and polar, with proline, which is neutral and non-polar, at codon 1313 of the ACACA protein (p.Gln1313Pro). This variant is not present in population databases (gnomAD no frequency). This variant has not been reported in the literature in individuals affected with ACACA-related conditions. An algorithm developed to predict the effect of missense changes on protein structure and function (PolyPhen-2) suggests that this variant is likely to be disruptive. In summary, the available evidence is currently insufficient to determine the role of this variant in disease. Therefore, it has been classified as a Variant of Uncertain Significance.

NM_198834.3(ACACA):c.4049A>C (p.Gln1350Pro)

Gene: ACACA (acetyl-CoA carboxylase alpha; minus strand). Cytogenetic location: 17q12.
Variant type: single nucleotide variant.
Coding change: c.4049A>C on transcript NM_198834.3 (MANE Select); coding-DNA position 4049, A replaced by C.
Protein change: p.Gln1350Pro; replaces glutamine 1350 with proline.
Molecular consequence: missense variant.
Genome position (GRCh38, 1-based): chr17:37,205,772, T>G on the plus strand (A>C on the coding strand, the complement: ACACA is on the minus strand). VCF-style: chr17-37205772-T-G. GRCh37 (hg19) VCF-style: chr17-35562686-T-G.
Other names: c.3938A>C, p.Gln1313Pro (NM_198836.3, NM_198839.3); c.3764A>C, p.Gln1255Pro (NM_198837.2); c.3704A>C, p.Gln1235Pro (NM_198838.2); short protein forms Q1350P, Q1255P, Q1313P, Q1235P.
Identifiers: ClinVar variation 2761361 (VCV002761361.3), dbSNP rs2545912478, ClinGen allele CA399183673.